The following is an entry in ClinVar:

NM_004736.4(XPR1):c.1963C>G (p.Arg655Gly)

Gene: XPR1 (xenotropic and polytropic retrovirus receptor 1; plus strand). Cytogenetic location: 1q25.3.
Variant type: single nucleotide variant.
Coding change: c.1963C>G on transcript NM_004736.4 (MANE Select); coding-DNA position 1963, C replaced by G.
Protein change: p.Arg655Gly; replaces arginine 655 with glycine.
Molecular consequence: missense variant. On other transcripts: non-coding transcript variant (1).
Genome position (GRCh38, 1-based): chr1:180,880,230, C>G. VCF-style: chr1-180880230-C-G. GRCh37 (hg19) VCF-style: chr1-180849366-C-G.
Other names: c.1963C>G (NM_004736.3); c.1768C>G, p.Arg590Gly (NM_001135669.2); short protein forms R590G, R655G.
Identifiers: ClinVar variation 1491401 (VCV001491401.7), dbSNP rs778119034, ClinGen allele CA1272870.

ClinVar aggregate classification (germline): Uncertain significance. Review status: criteria provided, multiple submitters, no conflicts (2 of 4 stars). 2 submissions from 2 submitters: Uncertain significance (2). Last evaluated 2026-01-05.

Conditions:
Inborn genetic diseases. Identifiers: MedGen C0950123, MeSH D030342.

Allele frequency attached by ClinVar (database versions not stated): gnomAD 0.00003 and 0.00004.
gnomAD v4.1: 24 of 1,614,010 alleles (0.0015%); highest among the groups gnomAD compares: Non-Finnish European, 0.002%; no homozygotes.

Submissions (2):

Labcorp Genetics (formerly Invitae), Labcorp
Classification: Uncertain significance. Last evaluated: 2026-01-05. Review status: criteria provided, single submitter. Criteria: Invitae Variant Classification Sherloc (09022015). Collection method: clinical testing. Allele origin: germline.
Comment: This sequence change replaces arginine, which is basic and polar, with glycine, which is neutral and non-polar, at codon 655 of the XPR1 protein (p.Arg655Gly). This variant is present in population databases (rs778119034, gnomAD 0.004%). This variant has not been reported in the literature in individuals affected with XPR1-related conditions. ClinVar contains an entry for this variant (Variation ID: 1491401). An algorithm developed to predict the effect of missense changes on protein structure and function (PolyPhen-2) suggests that this variant is likely to be disruptive. In summary, the available evidence is currently insufficient to determine the role of this variant in disease. Therefore, it has been classified as a Variant of Uncertain Significance.

Ambry Genetics
Classification: Uncertain significance for Inborn genetic diseases. Last evaluated: 2025-08-09. Review status: criteria provided, single submitter. Criteria: Ambry Variant Classification Scheme 2023. Collection method: clinical testing. Allele origin: germline.